The following is an entry in ClinVar:

ClinVar aggregate classification (germline): Uncertain significance (1 of 4 stars; one submission).

Conditions:
Inborn genetic diseases. Identifiers: MedGen C0950123, MeSH D030342.

Submission:

Ambry Genetics
Classification: Uncertain significance for Inborn genetic diseases. Last evaluated: 2026-03-21. Review status: criteria provided, single submitter. Criteria: Ambry Variant Classification Scheme 2023. Collection method: clinical testing. Allele origin: germline.
Comment: The p.L95V variant (also known as c.283C>G), located in coding exon 3 of the CDH2 gene, results from a C to G substitution at nucleotide position 283. The leucine at codon 95 is replaced by valine, an amino acid with highly similar properties. This amino acid position is conserved. In addition, this alteration is predicted to be tolerated by in silico analysis. Based on the available evidence, the clinical significance of this variant remains unclear.

NM_001792.5(CDH2):c.283C>G (p.Leu95Val)

Gene: CDH2 (cadherin 2; minus strand). Cytogenetic location: 18q12.1.
Variant type: single nucleotide variant.
Coding change: c.283C>G on transcript NM_001792.5 (MANE Select); coding-DNA position 283, C replaced by G.
Protein change: p.Leu95Val; replaces leucine 95 with valine.
Molecular consequence: missense variant.
Genome position (GRCh38, 1-based): chr18:28,013,799, G>C on the plus strand (C>G on the coding strand, the complement: CDH2 is on the minus strand). VCF-style: chr18-28013799-G-C. GRCh37 (hg19) VCF-style: chr18-25593763-G-C.
Other names: c.190C>G, p.Leu64Val (NM_001308176.2); short protein forms L64V, L95V.
Identifiers: ClinVar variation 4868419 (VCV004868419.1).